The following is an entry in ClinVar:

NM_005506.4(SCARB2):c.716G>T (p.Trp239Leu)

Gene: SCARB2 (scavenger receptor class B member 2; minus strand). Cytogenetic location: 4q21.1.
Variant type: single nucleotide variant.
Coding change: c.716G>T on transcript NM_005506.4 (MANE Select); coding-DNA position 716, G replaced by T.
Protein change: p.Trp239Leu; replaces tryptophan 239 with leucine.
Molecular consequence: missense variant.
Genome position (GRCh38, 1-based): chr4:76,175,899, C>A on the plus strand (G>T on the coding strand, the complement: SCARB2 is on the minus strand). VCF-style: chr4-76175899-C-A. GRCh37 (hg19) VCF-style: chr4-77097052-C-A.
Other names: c.287G>T, p.Trp96Leu (NM_001204255.2); short protein forms W239L, W96L.
Identifiers: ClinVar variation 851158 (VCV000851158.9), dbSNP rs755176349, ClinGen allele CA2970276.

ClinVar aggregate classification (germline): Uncertain significance (1 of 4 stars; one submission).

Conditions:
Progressive myoclonic epilepsy. Also called: Familial progressive myoclonic epilepsy; Myoclonic Epilepsies, Progressive; Myoclonus epilepsy; Progressive myoclonus epilepsy. Identifiers: Orphanet 308, Orphanet 98261, MedGen C0751778, MONDO:0020074.

Allele frequency attached by ClinVar (database versions not stated): gnomAD 0.00001.
gnomAD v4.1: 1 of 1,613,620 alleles (0.000062%); highest among the groups gnomAD compares: East Asian, 0.0022%; no homozygotes.

Submission:

Labcorp Genetics (formerly Invitae), Labcorp
Classification: Uncertain significance for Progressive myoclonic epilepsy. Last evaluated: 2021-03-09. Review status: criteria provided, single submitter. Criteria: Invitae Variant Classification Sherloc (09022015). Collection method: clinical testing. Allele origin: germline.
Comment: In summary, the available evidence is currently insufficient to determine the role of this variant in disease. Therefore, it has been classified as a Variant of Uncertain Significance. This sequence change replaces tryptophan with leucine at codon 239 of the SCARB2 protein (p.Trp239Leu). The tryptophan residue is highly conserved and there is a small physicochemical difference between tryptophan and leucine. This variant is present in population databases (rs755176349, ExAC 0.01%). This variant has not been reported in the literature in individuals with SCARB2-related conditions. Algorithms developed to predict the effect of missense changes on protein structure and function are either unavailable or do not agree on the potential impact of this missense change (SIFT: "Deleterious"; PolyPhen-2: "Probably Damaging"; Align-GVGD: "Class C0").